The following is an entry in ClinVar:

ClinVar aggregate classification (germline): Likely pathogenic (1 of 4 stars; one submission).

Conditions:
Fanconi anemia (FA). Also called: Fanconi's anemia. Identifiers: Orphanet 84, MedGen C0015625, MeSH D005199, MONDO:0019391.

Submission:

Labcorp Genetics (formerly Invitae), Labcorp
Classification: Likely pathogenic for Fanconi anemia. Last evaluated: 2023-09-28. Review status: criteria provided, single submitter. Criteria: Invitae Variant Classification Sherloc (09022015). Collection method: clinical testing. Allele origin: germline.
Comment: This sequence change affects an acceptor splice site in intron 39 of the FANCD2 gene. It is expected to disrupt RNA splicing. Variants that disrupt the donor or acceptor splice site typically lead to a loss of protein function (PMID: 16199547), and loss-of-function variants in FANCD2 are known to be pathogenic (PMID: 17436244). This variant is not present in population databases (gnomAD no frequency). This variant has not been reported in the literature in individuals affected with FANCD2-related conditions. Algorithms developed to predict the effect of sequence changes on RNA splicing suggest that this variant may disrupt the consensus splice site. In summary, the currently available evidence indicates that the variant is pathogenic, but additional data are needed to prove that conclusively. Therefore, this variant has been classified as Likely Pathogenic.

Literature cited by the submitters: PubMed 16199547; PubMed 17436244.

NM_001018115.3(FANCD2):c.3889-1G>A

Genes: FANCD2 (FA complementation group D2; plus strand), FANCD2OS (FANCD2 opposite strand; minus strand). Cytogenetic location: 3p25.3.
Variant type: single nucleotide variant.
Coding change: c.3889-1G>A on transcript NM_001018115.3 (MANE Select); the canonical splice acceptor site of the intron before coding-DNA position 3889, G replaced by A.
Molecular consequence: splice acceptor variant. On other transcripts: intron variant (1).
Genome position (GRCh38, 1-based): chr3:10,094,288, G>A. VCF-style: chr3-10094288-G-A. GRCh37 (hg19) VCF-style: chr3-10135972-G-A.
Other names: c.3889-1G>A (NM_001319984.2, NM_033084.6); c.3778-1G>A (NM_001374253.1); c.3850-1G>A (NM_001374254.1); c.*43+9910C>T (NM_173472.2).
Identifiers: ClinVar variation 2983969 (VCV002983969.3), dbSNP rs2470076248, ClinGen allele CA351756423.